The following is an entry in ClinVar:

ClinVar aggregate classification (germline): Uncertain significance (1 of 4 stars; one submission).

Conditions:
Spastic paraplegia. Identifiers: MedGen C0037772, HP:0001258.

Allele frequency attached by ClinVar (database versions not stated): gnomAD exomes below 0.00001; TOPMed 0.00002; gnomAD 0.00003; ExAC 0.00005; 1000 Genomes Project 30x 0.00016; 1000 Genomes Project 0.00020.
gnomAD v4.1: 12 of 1,600,012 alleles (0.00075%); highest among the groups gnomAD compares: African/African-American, 0.008%; no homozygotes.

Submission:

Labcorp Genetics (formerly Invitae), Labcorp
Classification: Uncertain significance for Spastic paraplegia. Last evaluated: 2023-11-27. Review status: criteria provided, single submitter. Criteria: Invitae Variant Classification Sherloc (09022015). Collection method: clinical testing. Allele origin: germline.
Comment: This sequence change replaces threonine, which is neutral and polar, with methionine, which is neutral and non-polar, at codon 10 of the AP4E1 protein (p.Thr10Met). The frequency data for this variant in the population databases is considered unreliable, as metrics indicate poor data quality at this position in the gnomAD database. This variant has not been reported in the literature in individuals affected with AP4E1-related conditions. ClinVar contains an entry for this variant (Variation ID: 2141676). An algorithm developed to predict the effect of missense changes on protein structure and function (PolyPhen-2) suggests that this variant is likely to be disruptive. In summary, the available evidence is currently insufficient to determine the role of this variant in disease. Therefore, it has been classified as a Variant of Uncertain Significance.

NM_007347.5(AP4E1):c.29C>T (p.Thr10Met)

Gene: AP4E1 (adaptor related protein complex 4 subunit epsilon 1; plus strand). Cytogenetic location: 15q21.2.
Variant type: single nucleotide variant.
Coding change: c.29C>T on transcript NM_007347.5 (MANE Select); coding-DNA position 29, C replaced by T.
Protein change: p.Thr10Met; replaces threonine 10 with methionine.
Molecular consequence: missense variant. On other transcripts: 5 prime UTR variant (1).
Genome position (GRCh38, 1-based): chr15:50,908,807, C>T. VCF-style: chr15-50908807-C-T. GRCh37 (hg19) VCF-style: chr15-51201004-C-T.
Other names: c.-220C>T (NM_001252127.2); short protein forms T10M.
Identifiers: ClinVar variation 2141676 (VCV002141676.4), dbSNP rs553522152, ClinGen allele CA7558622.